The following is an entry in ClinVar:

ClinVar aggregate classification (germline): Uncertain significance. Review status: criteria provided, multiple submitters, no conflicts (2 of 4 stars). 2 submissions from 2 submitters: Uncertain significance (2). Last evaluated 2025-08-18.

Conditions:
Inborn genetic diseases. Identifiers: MedGen C0950123, MeSH D030342.

Allele frequency attached by ClinVar (database versions not stated): TOPMed 0.00001.

Submissions (2):

Labcorp Genetics (formerly Invitae), Labcorp
Classification: Uncertain significance. Last evaluated: 2025-08-18. Review status: criteria provided, single submitter. Criteria: Invitae Variant Classification Sherloc (09022015). Collection method: clinical testing. Allele origin: germline.
Comment: This sequence change replaces lysine, which is basic and polar, with asparagine, which is neutral and polar, at codon 986 of the DNA2 protein (p.Lys986Asn). This variant is not present in population databases (gnomAD no frequency). This variant has not been reported in the literature in individuals affected with DNA2-related conditions. ClinVar contains an entry for this variant (Variation ID: 2966410). Invitae Evidence Modeling of protein sequence and biophysical properties (such as structural, functional, and spatial information, amino acid conservation, physicochemical variation, residue mobility, and thermodynamic stability) indicates that this missense variant is not expected to disrupt DNA2 protein function with a negative predictive value of 80%. In summary, the available evidence is currently insufficient to determine the role of this variant in disease. Therefore, it has been classified as a Variant of Uncertain Significance.

Ambry Genetics
Classification: Uncertain significance for Inborn genetic diseases. Last evaluated: 2024-04-01. Review status: criteria provided, single submitter. Criteria: Ambry Variant Classification Scheme 2023. Collection method: clinical testing. Allele origin: germline.

NM_001080449.3(DNA2):c.2958G>C (p.Lys986Asn)

Gene: DNA2 (DNA replication helicase/nuclease 2; minus strand). Cytogenetic location: 10q21.3.
Variant type: single nucleotide variant.
Coding change: c.2958G>C on transcript NM_001080449.3 (MANE Select); coding-DNA position 2958, G replaced by C.
Protein change: p.Lys986Asn; replaces lysine 986 with asparagine.
Molecular consequence: missense variant. On other transcripts: non-coding transcript variant (1).
Genome position (GRCh38, 1-based): chr10:68,419,043, C>G on the plus strand (G>C on the coding strand, the complement: DNA2 is on the minus strand). VCF-style: chr10-68419043-C-G. GRCh37 (hg19) VCF-style: chr10-70178800-C-G.
Other names: c.2958G>C (NM_001080449.2); short protein forms K986N.
Identifiers: ClinVar variation 2966410 (VCV002966410.4), dbSNP rs2051631171, ClinGen allele CA376840881.